The following is an entry in ClinVar:

ClinVar aggregate classification (germline): Pathogenic. Review status: criteria provided, multiple submitters, no conflicts (2 of 4 stars). 2 submissions from 2 submitters: Pathogenic (2). Last evaluated 2023-08-29.

Conditions:
Congenital myotonia, autosomal dominant form (THD). Also called: THOMSEN DISEASE; Myotonia congenita autosomal dominant. Identifiers: Orphanet 614, MedGen C2936781, MONDO:0008055, OMIM 160800.
Congenital myotonia, autosomal recessive form. Also called: BECKER DISEASE; Becker Generalized Myotonia; myotonia congenita, autosomal recessive. Identifiers: Orphanet 614, MedGen C0751360, MONDO:0009715, OMIM 255700.

gnomAD v4.1: 4 of 1,566,142 alleles (0.00026%); highest among the groups gnomAD compares: South Asian, 0.0012%; no homozygotes.

Submissions (2):

Labcorp Genetics (formerly Invitae), Labcorp
Classification: Pathogenic for Congenital myotonia, autosomal recessive form; Congenital myotonia, autosomal dominant form. Last evaluated: 2023-08-29. Review status: criteria provided, single submitter. Criteria: Invitae Variant Classification Sherloc (09022015). Collection method: clinical testing. Allele origin: germline.
Comment: This sequence change creates a premature translational stop signal (p.Tyr686*) in the CLCN1 gene. It is expected to result in an absent or disrupted protein product. Loss-of-function variants in CLCN1 are known to be pathogenic (PMID: 17932099, 22094069, 23739125). The frequency data for this variant in the population databases is considered unreliable, as metrics indicate poor data quality at this position in the gnomAD database. For these reasons, this variant has been classified as Pathogenic. ClinVar contains an entry for this variant (Variation ID: 1687485). This premature translational stop signal has been observed in individual(s) with autosomal recessive myotonia congenita (PMID: 23113340, 23739125).

3billion
Classification: Pathogenic for Congenital myotonia, autosomal recessive form. Last evaluated: 2022-05-22. Review status: criteria provided, single submitter. Criteria: ACMG Guidelines, 2015. Collection method: clinical testing. Allele origin: germline. Affected: yes. Observed: 1 homozygote.
Comment: The variant is observed at an extremely low frequency in the gnomAD v2.1.1 dataset (total allele frequency: <0.001%). Stop-gained (nonsense): predicted to result in a loss or disruption of normal protein function through nonsense-mediated decay (NMD) or protein truncation. Multiple pathogenic variants are reported downstream of the variant. The variant has been reported to be associated with CLCN1 related disorder (PMID: 23113340). Therefore, this variant is classified as pathogenic according to the recommendation of ACMG/AMP guideline.

Literature cited by the submitters: PubMed 17932099 (cited by Labcorp Genetics (formerly Invitae), Labcorp); PubMed 22094069 (cited by Labcorp Genetics (formerly Invitae), Labcorp); PubMed 23739125 (cited by Labcorp Genetics (formerly Invitae), Labcorp); PubMed 23113340 (cited by Labcorp Genetics (formerly Invitae), Labcorp and 3billion).

NM_000083.3(CLCN1):c.2058C>A (p.Tyr686Ter)

Genes: CLCN1 (chloride voltage-gated channel 1; plus strand), LOC123956257 (Sharpr-MPRA regulatory region 4117; plus strand). Cytogenetic location: 7q34.
Variant type: single nucleotide variant.
Coding change: c.2058C>A on transcript NM_000083.3 (MANE Select); coding-DNA position 2058, C replaced by A.
Protein change: p.Tyr686Ter; replaces tyrosine 686 with a stop codon.
Molecular consequence: nonsense. On other transcripts: non-coding transcript variant (1).
Genome position (GRCh38, 1-based): chr7:143,345,648, C>A. VCF-style: chr7-143345648-C-A. GRCh37 (hg19) VCF-style: chr7-143042741-C-A.
Other names: short protein forms Y686*.
Identifiers: ClinVar variation 1687485 (VCV001687485.4), dbSNP rs1417174086, ClinGen allele CA369650151.